The following is an entry in ClinVar:

ClinVar aggregate classification (germline): Uncertain significance (1 of 4 stars; one submission).

Submission:

GeneDx
Classification: Uncertain significance. Last evaluated: 2023-03-01. Review status: criteria provided, single submitter. Criteria: GeneDx Variant Classification Process June 2021. Collection method: clinical testing. Allele origin: germline. Affected: yes.
Comment: Not observed at significant frequency in large population cohorts (gnomAD); In silico analysis supports that this missense variant has a deleterious effect on protein structure/function; Has not been previously published as pathogenic or benign to our knowledge; This variant is associated with the following publications: (PMID: 23532176)

NM_000051.4(ATM):c.7475T>A (p.Leu2492His)

Genes: ATM (ATM serine/threonine kinase; plus strand), C11orf65 (chromosome 11 open reading frame 65; minus strand). Cytogenetic location: 11q22.3.
Variant type: single nucleotide variant.
Coding change: c.7475T>A on transcript NM_000051.4 (MANE Select); coding-DNA position 7475, T replaced by A.
Protein change: p.Leu2492His; replaces leucine 2492 with histidine.
Molecular consequence: missense variant. On other transcripts: intron variant (2).
Genome position (GRCh38, 1-based): chr11:108,330,381, T>A. VCF-style: chr11-108330381-T-A. GRCh37 (hg19) VCF-style: chr11-108201108-T-A.
Other names: c.641-21310A>T (NM_001330368.2); c.*38+4839A>T (NM_001351110.2); c.7475T>A, p.Leu2492His (NM_001351834.2); short protein forms L2492H.
Identifiers: ClinVar variation 2578262 (VCV002578262.1), dbSNP rs56399857, ClinGen allele CA382560455.